The following is an entry in ClinVar:

ClinVar aggregate classification (germline): Uncertain significance (1 of 4 stars; one submission).

Submission:

Dasa
Classification: Uncertain significance. Last evaluated: 2026-07-13. Review status: criteria provided, single submitter. Criteria: DASA Assertion Criteria. Collection method: clinical testing. Allele origin: germline.
Comment: NM_001171.6(ABCC6):c.4415T>C (p.Met1472Thr) is a missense variant that results in the substitution of methionine with threonine. This variant is rare in population databases. Computational prediction algorithms are consistent with a deleterious effect. The currently available literature and clinical evidence are not sufficient to establish a definitive association between this variant and the reported condition. Therefore, this variant is classified as a variant of uncertain significance.

NM_001171.6(ABCC6):c.4415T>C (p.Met1472Thr)

Gene: ABCC6 (ATP binding cassette subfamily C member 6; minus strand). Cytogenetic location: 16p13.11.
Variant type: single nucleotide variant.
Coding change: c.4415T>C on transcript NM_001171.6 (MANE Select); coding-DNA position 4415, T replaced by C.
Protein change: p.Met1472Thr; replaces methionine 1472 with threonine.
Molecular consequence: missense variant. On other transcripts: non-coding transcript variant (4).
Genome position (GRCh38, 1-based): chr16:16,150,230, A>G on the plus strand (T>C on the coding strand, the complement: ABCC6 is on the minus strand). VCF-style: chr16-16150230-A-G. GRCh37 (hg19) VCF-style: chr16-16244087-A-G.
Other names: c.4073T>C, p.Met1358Thr (NM_001351800.1); c.4382T>C, p.Met1461Thr (NM_001440309.1); c.4247T>C, p.Met1416Thr (NM_001440310.1); short protein forms M1416T, M1461T, M1472T, M1358T.
Identifiers: ClinVar variation 5020197 (VCV005020197.1).